The following is an entry in ClinVar:

NM_001035.3(RYR2):c.8209-12C>A

Gene: RYR2 (ryanodine receptor 2; plus strand). Cytogenetic location: 1q43.
Variant type: single nucleotide variant.
Coding change: c.8209-12C>A on transcript NM_001035.3 (MANE Select); 12 bases into the intron before coding-DNA position 8209, C replaced by A.
Molecular consequence: intron variant.
Genome position (GRCh38, 1-based): chr1:237,659,973, C>A. VCF-style: chr1-237659973-C-A. GRCh37 (hg19) VCF-style: chr1-237823273-C-A.
Identifiers: ClinVar variation 922665 (VCV000922665.13), dbSNP rs767601681, ClinGen allele CA087582.
Genomic context (GRCh38, chr1:237,659,973, plus strand): 5'-AAACACCTGCATATCTACAATCTCTAAAATTAACACGTGTAAAACAATTTTTAATGTTTG[C>A]CTTTTTTTAAGTTGGCAAATGGATGGATTTATGGAGAAATATATTCAGACTCTTCTAAGG-3'

ClinVar aggregate classification (germline): Likely benign. Review status: criteria provided, multiple submitters, no conflicts (2 of 4 stars). 4 submissions from 4 submitters: Likely benign (4). Last evaluated 2025-12-08.

Conditions:
Cardiomyopathy (CMYO). Also called: Cardiomyopathies. Identifiers: Orphanet 167848, MedGen C0878544, MONDO:0004994, HP:0001638. Inheritance: Various modes of inheritance.
Catecholaminergic polymorphic ventricular tachycardia 1. Also called: RYR2-Related Catecholaminergic Polymorphic Ventricular Tachycardia; VENTRICULAR TACHYCARDIA, STRESS-INDUCED POLYMORPHIC 1; VENTRICULAR TACHYCARDIA, CATECHOLAMINERGIC POLYMORPHIC, 1, WITH OR WITHOUT ATRIAL DYSFUNCTION AND/OR DILATED CARDIOMYOPATHY. Identifiers: Orphanet 3286, MedGen C1631597, MONDO:0011484, OMIM 604772.
Catecholaminergic polymorphic ventricular tachycardia (CVPT). Also called: Catecholamine-induced polymorphic ventricular tachycardia. Identifiers: Orphanet 3286, MedGen C5574922, MONDO:0017990.

Allele frequency attached by ClinVar (database versions not stated): TOPMed below 0.00001; gnomAD 0.00003.
gnomAD v4.1: 23 of 1,557,766 alleles (0.0015%); highest among the groups gnomAD compares: Non-Finnish European, 0.0019%; no homozygotes.

Submissions (4):

Labcorp Genetics (formerly Invitae), Labcorp
Classification: Likely benign for Catecholaminergic polymorphic ventricular tachycardia 1. Last evaluated: 2025-12-08. Review status: criteria provided, single submitter. Criteria: Invitae Variant Classification Sherloc (09022015). Collection method: clinical testing. Allele origin: germline.

Blueprint Genetics
Classification: Likely benign. Last evaluated: 2024-05-28. Review status: criteria provided, single submitter. Criteria: ACMG Guidelines, 2015. Collection method: clinical testing. Allele origin: germline.

All of Us Research Program, National Institutes of Health
Classification: Likely benign for Catecholaminergic polymorphic ventricular tachycardia. Last evaluated: 2023-11-20. Review status: criteria provided, single submitter. Criteria: ACMG Guidelines, 2015. Collection method: clinical testing. Allele origin: germline. Inheritance: Autosomal dominant inheritance. Observed: 6 variant alleles, 6 heterozygotes.
Comment: This study involves interpretation of variants in research participants for the purpose of population health screening. Participant phenotype was not available at the time of variant classification. Additional details can be found in publication PMID: 35346344, PMCID: PMC8962531

Color Diagnostics, LLC DBA Color Health
Classification: Likely benign for Cardiomyopathy. Last evaluated: 2019-03-19. Review status: criteria provided, single submitter. Criteria: ACMG Guidelines, 2015. Collection method: clinical testing. Allele origin: germline.